The following is an entry in ClinVar:

ClinVar aggregate classification (germline): Pathogenic/Likely pathogenic. Review status: criteria provided, multiple submitters, no conflicts (2 of 4 stars). 5 submissions from 5 submitters: Pathogenic (2); Likely pathogenic (3). Last evaluated 2026-07-07.

Conditions:
Exudative vitreoretinopathy 5 (EVR5). Identifiers: Orphanet 891, MedGen C2750079, MONDO:0013218, OMIM 613310.
TSPAN12-related disorder. Also called: TSPAN12-related condition.

Allele frequency attached by ClinVar (database versions not stated): gnomAD exomes below 0.00001 and 0.00001; TOPMed below 0.00001.
gnomAD v4.1: 6 of 1,613,542 alleles (0.00037%); highest among the groups gnomAD compares: Non-Finnish European, 0.00051%; no homozygotes.

Submissions (5):

PreventionGenetics, part of Exact Sciences
Classification: Pathogenic for TSPAN12-related condition. Last evaluated: 2026-07-07. Review status: criteria provided, single submitter. Criteria: ACMG Guidelines, 2015. Collection method: clinical testing. Allele origin: germline.
Comment: The TSPAN12 c.566G>A variant is predicted to result in the amino acid substitution p.Cys189Tyr. This variant has been reported in three unrelated individuals with familial exudative vitreoretinopathy (FEVR) and segregates with disease (Xu et al. 2014. PubMed ID: 25352738; Yaylacioglu Tuncay et al. 2025. PubMed ID: 39903177; Wu et al. 2022. PubMed ID: 35897115). The p.Cys189Tyr variant occurs within the extracellular loop of the TSPAN12 protein and a functional study showed that this variant results in decreased Norrin/FZD4/LRP5 signaling compared to wild type (Xu et al. 2014. PubMed ID: 25352738). This variant is reported in 0.00088% of alleles in individuals of European (non-Finnish) descent in gnomAD and is consistently interpreted as likely pathogenic and pathogenic in ClinVar (Variation ID: 804349). This variant is interpreted as pathogenic.

GeneDx
Classification: Likely pathogenic. Last evaluated: 2024-10-23. Review status: criteria provided, single submitter. Criteria: GeneDx Variant Classification Process June 2021. Collection method: clinical testing. Allele origin: germline. Affected: yes.
Comment: Published functional studies demonstrate a damaging effect (PMID: 25352738); Not observed at significant frequency in large population cohorts (gnomAD); In silico analysis supports that this missense variant has a deleterious effect on protein structure/function; This variant is associated with the following publications: (PMID: 33907885, 35897115, 25352738)

Labcorp Genetics (formerly Invitae), Labcorp
Classification: Pathogenic. Last evaluated: 2024-06-26. Review status: criteria provided, single submitter. Criteria: Invitae Variant Classification Sherloc (09022015). Collection method: clinical testing. Allele origin: germline.
Comment: This sequence change replaces cysteine, which is neutral and slightly polar, with tyrosine, which is neutral and polar, at codon 189 of the TSPAN12 protein (p.Cys189Tyr). This variant is present in population databases (no rsID available, gnomAD 0.0009%). This missense change has been observed in individuals with clinical features of familial exudative vitreoretinopathy (PMID: 25352738; Invitae). It has also been observed to segregate with disease in related individuals. ClinVar contains an entry for this variant (Variation ID: 804349). Advanced modeling of protein sequence and biophysical properties (such as structural, functional, and spatial information, amino acid conservation, physicochemical variation, residue mobility, and thermodynamic stability) has been performed at Invitae for this missense variant, however the output from this modeling did not meet the statistical confidence thresholds required to predict the impact of this variant on TSPAN12 protein function. For these reasons, this variant has been classified as Pathogenic.

Blueprint Genetics
Classification: Likely pathogenic for TSPAN12-related disorders. Last evaluated: 2022-08-25. Review status: criteria provided, single submitter. Criteria: ACMG Guidelines, 2015. Collection method: clinical testing. Allele origin: germline. Affected: yes. Observed: 5 variant alleles.

Molecular Diagnostics Laboratory, M Health Fairview: University of Minnesota
Classification: Likely pathogenic for Exudative vitreoretinopathy 5. Last evaluated: 2019-06-12. Review status: criteria provided, single submitter. Criteria: ACMG Guidelines, 2015. Collection method: clinical testing. Allele origin: germline. Affected: yes.

Literature cited by the submitters: PubMed 25352738 (cited by Labcorp Genetics (formerly Invitae), Labcorp and Molecular Diagnostics Laboratory, M Health Fairview: University of Minnesota).

NM_012338.4(TSPAN12):c.566G>A (p.Cys189Tyr)

Gene: TSPAN12 (tetraspanin 12; minus strand). Cytogenetic location: 7q31.31.
Variant type: single nucleotide variant.
Coding change: c.566G>A on transcript NM_012338.4 (MANE Select); coding-DNA position 566, G replaced by A.
Protein change: p.Cys189Tyr; replaces cysteine 189 with tyrosine.
Molecular consequence: missense variant.
Genome position (GRCh38, 1-based): chr7:120,806,595, C>T on the plus strand (G>A on the coding strand, the complement: TSPAN12 is on the minus strand). VCF-style: chr7-120806595-C-T. GRCh37 (hg19) VCF-style: chr7-120446649-C-T.
Other names: short protein forms C189Y.
Identifiers: ClinVar variation 804349 (VCV000804349.11), dbSNP rs1335735639, ClinGen allele CA369136140.
Genomic context (GRCh38, chr7:120,806,595, plus strand): 5'-ATATATGGCCTCACCTCTTGATAAAGGTCACTGAGATCTTCCTGGTGGGCCTGTTTGGAA[C>T]ATCCTGGGAATTCTCTAACACAGCAGGAATCTGGGGGCCAGTCCATCTCTGTCATTTCCA-3'
Protein context (NP_036470.1, residues 179-199): DSCCVREFPG[Cys189Tyr]SKQAHQEDLS